The following is an entry in ClinVar:

NM_182961.4(SYNE1):c.25916G>C (p.Gly8639Ala)

Gene: SYNE1 (spectrin repeat containing nuclear envelope protein 1; minus strand). Cytogenetic location: 6q25.2.
Variant type: single nucleotide variant.
Coding change: c.25916G>C on transcript NM_182961.4 (MANE Select); coding-DNA position 25916, G replaced by C.
Protein change: p.Gly8639Ala; replaces glycine 8639 with alanine.
Molecular consequence: missense variant.
Genome position (GRCh38, 1-based): chr6:152,133,361, C>G on the plus strand (G>C on the coding strand, the complement: SYNE1 is on the minus strand). VCF-style: chr6-152133361-C-G. GRCh37 (hg19) VCF-style: chr6-152454496-C-G.
Other names: c.2522G>C, p.Gly841Ala (NM_001347701.2); c.2450G>C, p.Gly817Ala (NM_001347702.2); c.25772G>C, p.Gly8591Ala (NM_033071.5); short protein forms G8639A, G817A, G841A, G8591A.
Identifiers: ClinVar variation 2132069 (VCV002132069.4), dbSNP rs191807870, ClinGen allele CA366076954.

ClinVar aggregate classification (germline): Uncertain significance (1 of 4 stars; one submission).

Conditions:
Autosomal recessive ataxia, Beauce type. Also called: SYNE1-Related Autosomal Recessive Cerebellar Ataxia; Spinocerebellar ataxia, autosomal recessive 8; ATAXIA, RECESSIVE, OF BEAUCE; SYNE1 Deficiency. Identifiers: Orphanet 88644, MedGen C1853116, MONDO:0012549, OMIM 610743.
Emery-Dreifuss muscular dystrophy 4, autosomal dominant (EDMD4). Also called: EMERY-DREIFUSS MUSCULAR DYSTROPHY 4 WITH VARIABLE FEATURES. Identifiers: Orphanet 261, MedGen C2751807, MONDO:0013071, OMIM 612998.

Submission:

Labcorp Genetics (formerly Invitae), Labcorp
Classification: Uncertain significance for Emery-Dreifuss muscular dystrophy 4, autosomal dominant; Autosomal recessive ataxia, Beauce type. Last evaluated: 2022-09-15. Review status: criteria provided, single submitter. Criteria: Invitae Variant Classification Sherloc (09022015). Collection method: clinical testing. Allele origin: germline.
Comment: In summary, the available evidence is currently insufficient to determine the role of this variant in disease. Therefore, it has been classified as a Variant of Uncertain Significance. This sequence change replaces glycine, which is neutral and non-polar, with alanine, which is neutral and non-polar, at codon 8591 of the SYNE1 protein (p.Gly8591Ala). This variant is not present in population databases (gnomAD no frequency). This variant has not been reported in the literature in individuals affected with SYNE1-related conditions. Algorithms developed to predict the effect of missense changes on protein structure and function are either unavailable or do not agree on the potential impact of this missense change (SIFT: "Deleterious"; PolyPhen-2: "Probably Damaging"; Align-GVGD: "Class C0").